The following is an entry in ClinVar:

NM_002911.4(UPF1):c.240C>T (p.Pro80=)

Gene: UPF1 (UPF1 RNA helicase and ATPase; plus strand). Cytogenetic location: 19p13.11.
Variant type: single nucleotide variant.
Coding change: c.240C>T on transcript NM_002911.4 (MANE Select); coding-DNA position 240, C replaced by T.
Protein change: p.Pro80=; no amino-acid change (proline 80 retained).
Molecular consequence: synonymous variant.
Genome position (GRCh38, 1-based): chr19:18,845,988, C>T. VCF-style: chr19-18845988-C-T. GRCh37 (hg19) VCF-style: chr19-18956797-C-T.
Other names: c.240C>T, p.Pro80= (NM_001297549.2).
Identifiers: ClinVar variation 2649593 (VCV002649593.24), dbSNP rs35427308, ClinGen allele CA9316950.

ClinVar aggregate classification (germline): Likely benign (1 of 4 stars; one submission).

Allele frequency attached by ClinVar (database versions not stated): 1000 Genomes Project 0.00140; 1000 Genomes Project 30x 0.00156; ExAC 0.00240; ESP Exome Variant Server 0.00254; TOPMed 0.00254; gnomAD 0.00265.
gnomAD v4.1: 4,920 of 1,613,934 alleles (0.3%); highest among the groups gnomAD compares: Non-Finnish European, 0.36%; 12 homozygotes.

Submission:

CeGaT Center for Human Genetics Tuebingen
Classification: Likely benign. Last evaluated: 2023-04-01. Review status: criteria provided, single submitter. Criteria: CeGaT Center For Human Genetics Tuebingen Variant Classification Criteria Version 2. Collection method: clinical testing. Allele origin: germline. Affected: yes. Observed: 2 variant alleles.
Comment: UPF1: BP4, BP7